The following is an entry in ClinVar:

NM_001008537.3(NEXMIF):c.3814A>T (p.Lys1272Ter)

Gene: NEXMIF (neurite extension and migration factor; minus strand). Cytogenetic location: Xq13.3.
Variant type: single nucleotide variant.
Coding change: c.3814A>T on transcript NM_001008537.3 (MANE Select); coding-DNA position 3814, A replaced by T.
Protein change: p.Lys1272Ter; replaces lysine 1272 with a stop codon.
Molecular consequence: nonsense.
Genome position (GRCh38, 1-based): chrX:74,740,743, T>A on the plus strand (A>T on the coding strand, the complement: NEXMIF is on the minus strand). VCF-style: chrX-74740743-T-A. GRCh37 (hg19) VCF-style: chrX-73960578-T-A.
Other names: short protein forms K1272*.
Identifiers: ClinVar variation 1457514 (VCV001457514.6), dbSNP rs2147439176, ClinGen allele CA413664693.

ClinVar aggregate classification (germline): Pathogenic (1 of 4 stars; one submission).

Submission:

Labcorp Genetics (formerly Invitae), Labcorp
Classification: Pathogenic. Last evaluated: 2025-09-03. Review status: criteria provided, single submitter. Criteria: Invitae Variant Classification Sherloc (09022015). Collection method: clinical testing. Allele origin: germline.
Comment: This sequence change creates a premature translational stop signal (p.Lys1272*) in the NEXMIF gene. It is expected to result in an absent or disrupted protein product. Loss-of-function variants in NEXMIF are known to be pathogenic (PMID: 23615299). This variant is not present in population databases (gnomAD no frequency). This variant has not been reported in the literature in individuals affected with NEXMIF-related conditions. ClinVar contains an entry for this variant (Variation ID: 1457514). For these reasons, this variant has been classified as Pathogenic.

Literature cited by the submitters: PubMed 23615299.